The following is an entry in ClinVar:

NM_001163435.3(TBCK):c.1774+6C>T

Gene: TBCK (TBC1 domain containing kinase; minus strand). Cytogenetic location: 4q24.
Variant type: single nucleotide variant.
Coding change: c.1774+6C>T on transcript NM_001163435.3 (MANE Select); 6 bases into the intron after coding-DNA position 1774, C replaced by T.
Molecular consequence: intron variant.
Genome position (GRCh38, 1-based): chr4:106,230,357, G>A on the plus strand (C>T on the coding strand, the complement: TBCK is on the minus strand). VCF-style: chr4-106230357-G-A. GRCh37 (hg19) VCF-style: chr4-107151514-G-A.
Other names: c.1774+6C>T (NM_001163436.4); c.1585+6C>T (NM_033115.5); c.1657+6C>T (NM_001163437.3); c.1258+6C>T (NM_001290768.2).
Identifiers: ClinVar variation 1468755 (VCV001468755.6), dbSNP rs371920437, ClinGen allele CA3034952.
Genomic context (GRCh38, chr4:106,230,357, plus strand): 5'-TATTACATCAGCACACCAGTACATCAGTAGTTTCTCTGTAGAAAGACATGGAAGACATTT[G>A]CTTACCTTGTATTACATGTGAGTTGTCTTTTAAGAAGAAGTTATACAGGTATTTGGGAAT-3'

ClinVar aggregate classification (germline): Uncertain significance (1 of 4 stars; one submission).

Allele frequency attached by ClinVar (database versions not stated): ExAC 0.00001; gnomAD exomes 0.00002; TOPMed 0.00002; gnomAD 0.00003; ESP Exome Variant Server 0.00008.
gnomAD v4.1: 39 of 1,549,356 alleles (0.0025%); highest among the groups gnomAD compares: Non-Finnish European, 0.0033%; no homozygotes.

Submission:

Labcorp Genetics (formerly Invitae), Labcorp
Classification: Uncertain significance. Last evaluated: 2024-10-24. Review status: criteria provided, single submitter. Criteria: Invitae Variant Classification Sherloc (09022015). Collection method: clinical testing. Allele origin: germline.
Comment: This sequence change falls in intron 19 of the TBCK gene. It does not directly change the encoded amino acid sequence of the TBCK protein. It affects a nucleotide within the consensus splice site. This variant is present in population databases (rs371920437, gnomAD 0.005%). This variant has not been reported in the literature in individuals affected with TBCK-related conditions. ClinVar contains an entry for this variant (Variation ID: 1468755). Variants that disrupt the consensus splice site are a relatively common cause of aberrant splicing (PMID: 17576681, 9536098). Algorithms developed to predict the effect of sequence changes on RNA splicing suggest that this variant is not likely to affect RNA splicing. In summary, the available evidence is currently insufficient to determine the role of this variant in disease. Therefore, it has been classified as a Variant of Uncertain Significance.

Literature cited by the submitters: PubMed 17576681; PubMed 9536098.